The following is an entry in ClinVar:

NM_001166108.2(PALLD):c.2291A>C (p.Glu764Ala)

Genes: CBR4 (carbonyl reductase 4; minus strand), PALLD (palladin, cytoskeletal associated protein; plus strand). Cytogenetic location: 4q32.3.
Variant type: single nucleotide variant.
Coding change: c.2291A>C on transcript NM_001166108.2 (MANE Select); coding-DNA position 2291, A replaced by C.
Protein change: p.Glu764Ala; replaces glutamic acid 764 with alanine.
Molecular consequence: missense variant.
Genome position (GRCh38, 1-based): chr4:168,898,533, A>C. VCF-style: chr4-168898533-A-C. GRCh37 (hg19) VCF-style: chr4-169819684-A-C.
Other names: c.1094A>C, p.Glu365Ala (NM_001166109.2); c.779A>C, p.Glu260Ala (NM_001166110.2); c.119A>C, p.Glu40Ala (NM_001367567.1, NM_001367569.1); c.170A>C, p.Glu57Ala (NM_001367568.1, NM_001367570.1); c.2240A>C, p.Glu747Ala (NM_016081.4); short protein forms E40A, E57A, E260A, E365A, E747A, E764A.
Identifiers: ClinVar variation 3304097 (VCV003304097.1).
Genomic context (GRCh38, chr4:168,898,533, plus strand): 5'-TTAAACTTTCCTTGATTCAGGAATACAAAGTCTCCAGCTGTGAACAGAGACTCATCAGTG[A>C]AATAGAGTACAGGCTAGAAAGGTCTCCTGTGGATGAATCAGGTGATGAAGTTCAGTATGG-3'
Protein context (NP_001159580.1, residues 754-774): VSSCEQRLIS[Glu764Ala]IEYRLERSPV

ClinVar aggregate classification (germline): Uncertain significance (1 of 4 stars; one submission).

Submission:

Ambry Genetics
Classification: Uncertain significance. Last evaluated: 2024-05-24. Review status: criteria provided, single submitter. Criteria: Ambry Variant Classification Scheme 2023. Collection method: clinical testing. Allele origin: germline.
Comment: The p.E747A variant (also known as c.2240A>C), located in coding exon 12 of the PALLD gene, results from an A to C substitution at nucleotide position 2240. The glutamic acid at codon 747 is replaced by alanine, an amino acid with dissimilar properties. This amino acid position is conserved. In addition, this alteration is predicted to be deleterious by in silico analysis. Based on the available evidence, the clinical significance of this variant remains unclear.